The following is an entry in ClinVar:

NM_012479.4(YWHAG):c.256C>T (p.Arg86Trp)

Gene: YWHAG (tyrosine 3-monooxygenase/tryptophan 5-monooxygenase activation protein gamma; minus strand). Cytogenetic location: 7q11.23.
Variant type: single nucleotide variant.
Coding change: c.256C>T on transcript NM_012479.4 (MANE Select); coding-DNA position 256, C replaced by T.
Protein change: p.Arg86Trp; replaces arginine 86 with tryptophan.
Molecular consequence: missense variant.
Genome position (GRCh38, 1-based): chr7:76,330,065, G>A on the plus strand (C>T on the coding strand, the complement: YWHAG is on the minus strand). VCF-style: chr7-76330065-G-A. GRCh37 (hg19) VCF-style: chr7-75959382-G-A.
Other names: short protein forms R86W.
Identifiers: ClinVar variation 2769736 (VCV002769736.3), dbSNP rs1563661628, ClinGen allele CA367777797.

ClinVar aggregate classification (germline): Uncertain significance (1 of 4 stars; one submission).

Submission:

Labcorp Genetics (formerly Invitae), Labcorp
Classification: Uncertain significance. Last evaluated: 2023-06-13. Review status: criteria provided, single submitter. Criteria: Invitae Variant Classification Sherloc (09022015). Collection method: clinical testing. Allele origin: germline.
Comment: This sequence change replaces arginine, which is basic and polar, with tryptophan, which is neutral and slightly polar, at codon 86 of the YWHAG protein (p.Arg86Trp). This variant is not present in population databases (gnomAD no frequency). This variant has not been reported in the literature in individuals affected with YWHAG-related conditions. Advanced modeling of protein sequence and biophysical properties (such as structural, functional, and spatial information, amino acid conservation, physicochemical variation, residue mobility, and thermodynamic stability) performed at Invitae indicates that this missense variant is expected to disrupt YWHAG protein function. In summary, the available evidence is currently insufficient to determine the role of this variant in disease. Therefore, it has been classified as a Variant of Uncertain Significance.